The following is an entry in ClinVar:

ClinVar aggregate classification (germline): Likely benign. Review status: criteria provided, multiple submitters, no conflicts (2 of 4 stars). 3 submissions from 3 submitters: Likely benign (2). 1 of the submissions does not count toward it. Last evaluated 2025-10-13.

Conditions:
Joubert syndrome. Also called: Familial aplasia of the vermis; JOUBERT-BOLTSHAUSER SYNDROME. Identifiers: Orphanet 475, MedGen C5979921, MONDO:0018772.
Meckel-Gruber syndrome. Also called: DYSENCEPHALIA SPLANCHNOCYSTICA; Dysencephalia splachnocystica; GRUBER SYNDROME. Identifiers: Orphanet 564, MedGen C0265215, MONDO:0018921.
TCTN2-related disorder. Also called: TCTN2-related disorders; TCTN2-related condition. Identifiers: MedGen CN239412.

Allele frequency attached by ClinVar (database versions not stated): gnomAD exomes 0.00003; TOPMed 0.00003; ExAC 0.00004; gnomAD 0.00004 and 0.00005.
gnomAD v4.1: 46 of 1,612,962 alleles (0.0029%); highest among the groups gnomAD compares: South Asian, 0.013%; no homozygotes.

Submissions (3):

Labcorp Genetics (formerly Invitae), Labcorp
Classification: Likely benign for Joubert syndrome; Meckel-Gruber syndrome. Last evaluated: 2025-10-13. Review status: criteria provided, single submitter. Criteria: Invitae Variant Classification Sherloc (09022015). Collection method: clinical testing. Allele origin: germline.

Blueprint Genetics
Classification: Likely benign. Last evaluated: 2023-12-29. Review status: criteria provided, single submitter. Criteria: ACMG Guidelines, 2015. Collection method: clinical testing. Allele origin: germline.

PreventionGenetics, part of Exact Sciences
Classification: Likely benign for TCTN2-related condition. Last evaluated: 2022-08-01. Review status: no assertion criteria provided. Collection method: clinical testing. Allele origin: germline. Not counted in ClinVar's aggregate classification.
Comment: This variant is classified as likely benign based on ACMG/AMP sequence variant interpretation guidelines (Richards et al. 2015 PMID: 25741868, with internal and published modifications).

NM_024809.5(TCTN2):c.468C>T (p.Asn156=)

Gene: TCTN2 (tectonic family member 2; plus strand). Cytogenetic location: 12q24.31.
Variant type: single nucleotide variant.
Coding change: c.468C>T on transcript NM_024809.5 (MANE Select); coding-DNA position 468, C replaced by T.
Protein change: p.Asn156=; no amino-acid change (asparagine 156 retained).
Molecular consequence: synonymous variant.
Genome position (GRCh38, 1-based): chr12:123,679,193, C>T. VCF-style: chr12-123679193-C-T. GRCh37 (hg19) VCF-style: chr12-124163740-C-T.
Other names: c.468C>T (NM_024809.4); c.465C>T, p.Asn155= (NM_001143850.3).
Identifiers: ClinVar variation 1533097 (VCV001533097.11), dbSNP rs771396774, ClinGen allele CA6860906.